The following is an entry in ClinVar:

NM_152564.5(VPS13B):c.2628A>G (p.Ile876Met)

Gene: VPS13B (vacuolar protein sorting 13 homolog B; plus strand). Cytogenetic location: 8q22.2.
Variant type: single nucleotide variant.
Coding change: c.2628A>G on transcript NM_152564.5 (MANE Select); coding-DNA position 2628, A replaced by G.
Protein change: p.Ile876Met; replaces isoleucine 876 with methionine.
Molecular consequence: missense variant.
Genome position (GRCh38, 1-based): chr8:99,274,310, A>G. VCF-style: chr8-99274310-A-G. GRCh37 (hg19) VCF-style: chr8-100286538-A-G.
Other names: c.2628A>G, p.Ile876Met (NM_017890.5); c.2628A>G (NM_017890.3); short protein forms I876M.
Identifiers: ClinVar variation 934898 (VCV000934898.10), dbSNP rs1198845715, ClinGen allele CA371862324.

ClinVar aggregate classification (germline): Uncertain significance. Review status: criteria provided, multiple submitters, no conflicts (2 of 4 stars). 3 submissions from 3 submitters: Uncertain significance (2). 1 of the submissions does not count toward it. Last evaluated 2024-11-15.

Conditions:
Inborn genetic diseases. Identifiers: MedGen C0950123, MeSH D030342.
Cohen syndrome (COH1). Also called: PEPPER SYNDROME; Cutis verticis gyrata, retinitis pigmentosa, and sensorineural deafness. Identifiers: Orphanet 193, MedGen C0265223, MONDO:0008999, OMIM 216550.

Allele frequency attached by ClinVar (database versions not stated): gnomAD exomes below 0.00001 and 0.00001; TOPMed 0.00002; gnomAD 0.00003.
gnomAD v4.1: 8 of 1,614,026 alleles (0.0005%); highest among the groups gnomAD compares: African/African-American, 0.0027%; no homozygotes.

Submissions (3):

Ambry Genetics
Classification: Uncertain significance for Inborn genetic diseases. Last evaluated: 2024-11-15. Review status: criteria provided, single submitter. Criteria: Ambry Variant Classification Scheme 2023. Collection method: clinical testing. Allele origin: germline.

Labcorp Genetics (formerly Invitae), Labcorp
Classification: Uncertain significance for Cohen syndrome. Last evaluated: 2022-08-23. Review status: criteria provided, single submitter. Criteria: Invitae Variant Classification Sherloc (09022015). Collection method: clinical testing. Allele origin: germline.
Comment: This sequence change replaces isoleucine, which is neutral and non-polar, with methionine, which is neutral and non-polar, at codon 876 of the VPS13B protein (p.Ile876Met). This variant is present in population databases (no rsID available, gnomAD 0.0009%). This variant has not been reported in the literature in individuals affected with VPS13B-related conditions. ClinVar contains an entry for this variant (Variation ID: 934898). Algorithms developed to predict the effect of missense changes on protein structure and function are either unavailable or do not agree on the potential impact of this missense change (SIFT: "Not Available"; PolyPhen-2: "Possibly Damaging"; Align-GVGD: "Not Available"). In summary, the available evidence is currently insufficient to determine the role of this variant in disease. Therefore, it has been classified as a Variant of Uncertain Significance.

Natera, Inc.
Classification: Uncertain significance for Cohen syndrome. Last evaluated: 2020-12-28. Review status: no assertion criteria provided. Collection method: clinical testing. Allele origin: germline. Not counted in ClinVar's aggregate classification.